The following is an entry in ClinVar:

NM_170707.4(LMNA):c.810+61C>T

Gene: LMNA (lamin A/C; plus strand). Cytogenetic location: 1q22.
Variant type: single nucleotide variant.
Coding change: c.810+61C>T on transcript NM_170707.4 (MANE Select); 61 bases into the intron after coding-DNA position 810, C replaced by T.
Molecular consequence: intron variant.
Genome position (GRCh38, 1-based): chr1:156,135,036, C>T. VCF-style: chr1-156135036-C-T. GRCh37 (hg19) VCF-style: chr1-156104827-C-T.
Other names: c.810+61C>T (NM_001282625.2, NM_001282626.2, NM_170708.4 and 1 more transcripts); c.474+61C>T (NM_001257374.3); c.567+61C>T (NM_001282624.2).
Identifiers: ClinVar variation 66940 (VCV000066940.3), dbSNP rs11264445, ClinGen allele CA018702.

ClinVar aggregate classification (germline): Benign. Review status: criteria provided, multiple submitters, no conflicts (2 of 4 stars). 3 submissions from 3 submitters: Benign (2). 1 of the submissions does not count toward it. Last evaluated 2018-06-14.

Allele frequency attached by ClinVar (database versions not stated): gnomAD 0.05365 and 0.05733; 1000 Genomes Project 0.05791; TOPMed 0.06009; 1000 Genomes Project 30x 0.06121.
gnomAD v4.1: 16,352 of 1,611,226 alleles (1%); highest among the groups gnomAD compares: African/African-American, 19%; 1,421 homozygotes.

Submissions (3):

GeneDx
Classification: Benign. Last evaluated: 2018-06-14. Review status: criteria provided, single submitter. Criteria: GeneDx Variant Classification (06012015). Collection method: clinical testing. Allele origin: germline. Affected: yes.
Comment: This variant is considered likely benign or benign based on one or more of the following criteria: it is a conservative change, it occurs at a poorly conserved position in the protein, it is predicted to be benign by multiple in silico algorithms, and/or has population frequency not consistent with disease.

Breakthrough Genomics
Classification: Benign. Review status: criteria provided, single submitter. Criteria: ACMG Guidelines, 2015. Collection method: not provided. Allele origin: germline. Inheritance: Autosomal recessive inheritance. Affected: yes.

Epithelial Biology;  Institute of Medical Biology, Singapore
No classification provided. Review status: no classification provided. Collection method: not provided. Allele origin: not provided. Not counted in ClinVar's aggregate classification.